The following is an entry in ClinVar:

ClinVar aggregate classification (germline): Likely benign (0 of 4 stars; one submission).

Conditions:
IGFALS-related disorder. Also called: IGFALS-related condition.

gnomAD v4.1: 1 of 1,597,202 alleles (0.000063%); no homozygotes.

Submission:

PreventionGenetics, part of Exact Sciences
Classification: Likely benign for IGFALS-related condition. Last evaluated: 2019-09-06. Review status: no assertion criteria provided. Collection method: clinical testing. Allele origin: germline.
Comment: This variant is classified as likely benign based on ACMG/AMP sequence variant interpretation guidelines (Richards et al. 2015 PMID: 25741868, with internal and published modifications).

NM_004970.3(IGFALS):c.1446G>A (p.Gln482=)

Gene: IGFALS (insulin like growth factor binding protein acid labile subunit; minus strand). Cytogenetic location: 16p13.3.
Variant type: single nucleotide variant.
Coding change: c.1446G>A on transcript NM_004970.3 (MANE Select); coding-DNA position 1446, G replaced by A.
Protein change: p.Gln482=; no amino-acid change (glutamine 482 retained).
Molecular consequence: synonymous variant. On other transcripts: non-coding transcript variant (1).
Genome position (GRCh38, 1-based): chr16:1,790,972, C>T on the plus strand (G>A on the coding strand, the complement: IGFALS is on the minus strand). VCF-style: chr16-1790972-C-T. GRCh37 (hg19) VCF-style: chr16-1840973-C-T.
Other names: c.1560G>A, p.Gln520= (NM_001146006.2).
Identifiers: ClinVar variation 3053708 (VCV003053708.2), dbSNP rs2548155936, ClinGen allele CA493035549.